The following is an entry in ClinVar:

NM_005051.3(QARS1):c.1896G>A (p.Trp632Ter)

Gene: QARS1 (glutaminyl-tRNA synthetase 1; minus strand). Cytogenetic location: 3p21.31.
Variant type: single nucleotide variant.
Coding change: c.1896G>A on transcript NM_005051.3 (MANE Select); coding-DNA position 1896, G replaced by A.
Protein change: p.Trp632Ter; replaces tryptophan 632 with a stop codon.
Molecular consequence: nonsense. On other transcripts: non-coding transcript variant (1).
Genome position (GRCh38, 1-based): chr3:49,098,660, C>T on the plus strand (G>A on the coding strand, the complement: QARS1 is on the minus strand). VCF-style: chr3-49098660-C-T. GRCh37 (hg19) VCF-style: chr3-49136093-C-T.
Other names: c.1863G>A, p.Trp621Ter (NM_001272073.2); short protein forms W632*, W621*.
Identifiers: ClinVar variation 3722050 (VCV003722050.2).

ClinVar aggregate classification (germline): Pathogenic (1 of 4 stars; one submission).

Conditions:
Diffuse cerebral and cerebellar atrophy - intractable seizures - progressive microcephaly syndrome. Also called: Microcephaly, progressive, with seizures and cerebral and cerebellar atrophy. Identifiers: Orphanet 404437, MedGen C4014239, MONDO:0014335, OMIM 615760.

Submission:

Labcorp Genetics (formerly Invitae), Labcorp
Classification: Pathogenic for Diffuse cerebral and cerebellar atrophy - intractable seizures - progressive microcephaly syndrome. Last evaluated: 2025-02-02. Review status: criteria provided, single submitter. Criteria: Invitae Variant Classification Sherloc (09022015). Collection method: clinical testing. Allele origin: germline.
Comment: This sequence change creates a premature translational stop signal (p.Trp632*) in the QARS gene. It is expected to result in an absent or disrupted protein product. Loss-of-function variants in QARS are known to be pathogenic (PMID: 24656866, 25471517). This variant is not present in population databases (gnomAD no frequency). This variant has not been reported in the literature in individuals affected with QARS-related conditions. For these reasons, this variant has been classified as Pathogenic.

Literature cited by the submitters: PubMed 24656866; PubMed 25471517.